The following is an entry in ClinVar:

NM_006063.3(KLHL41):c.1392G>T (p.Arg464Ser)

Gene: KLHL41 (kelch like family member 41; plus strand). Cytogenetic location: 2q31.1.
Variant type: single nucleotide variant.
Coding change: c.1392G>T on transcript NM_006063.3 (MANE Select); coding-DNA position 1392, G replaced by T.
Protein change: p.Arg464Ser; replaces arginine 464 with serine.
Molecular consequence: missense variant.
Genome position (GRCh38, 1-based): chr2:169,518,205, G>T. VCF-style: chr2-169518205-G-T. GRCh37 (hg19) VCF-style: chr2-170374715-G-T.
Other names: short protein forms R464S.
Identifiers: ClinVar variation 1410478 (VCV001410478.8), dbSNP rs745775130, ClinGen allele CA1956677.

ClinVar aggregate classification (germline): Uncertain significance (1 of 4 stars; one submission).

Conditions:
Nemaline myopathy 9 (NEM9). Identifiers: MedGen C3810384, MONDO:0014326, OMIM 615731.

Allele frequency attached by ClinVar (database versions not stated): gnomAD exomes below 0.00001; ExAC 0.00001; gnomAD 0.00002.
gnomAD v4.1: 7 of 1,611,896 alleles (0.00043%); highest among the groups gnomAD compares: African/African-American, 0.0067%; no homozygotes.

Submission:

Labcorp Genetics (formerly Invitae), Labcorp
Classification: Uncertain significance for Nemaline myopathy 9. Last evaluated: 2022-07-19. Review status: criteria provided, single submitter. Criteria: Invitae Variant Classification Sherloc (09022015). Collection method: clinical testing. Allele origin: germline.
Comment: In summary, the available evidence is currently insufficient to determine the role of this variant in disease. Therefore, it has been classified as a Variant of Uncertain Significance. Algorithms developed to predict the effect of sequence changes on RNA splicing suggest that this variant may create or strengthen a splice site. Algorithms developed to predict the effect of missense changes on protein structure and function are either unavailable or do not agree on the potential impact of this missense change (SIFT: "Deleterious"; PolyPhen-2: "Benign"; Align-GVGD: "Class C35"). ClinVar contains an entry for this variant (Variation ID: 1410478). This variant has not been reported in the literature in individuals affected with KLHL41-related conditions. This variant is present in population databases (rs745775130, gnomAD 0.0008%). This sequence change replaces arginine, which is basic and polar, with serine, which is neutral and polar, at codon 464 of the KLHL41 protein (p.Arg464Ser).